The following is an entry in ClinVar:

NM_014915.3(ANKRD26):c.1760G>C (p.Ser587Thr)

Gene: ANKRD26 (ankyrin repeat domain 26; minus strand). Cytogenetic location: 10p12.1.
Variant type: single nucleotide variant.
Coding change: c.1760G>C on transcript NM_014915.3 (MANE Select); coding-DNA position 1760, G replaced by C.
Protein change: p.Ser587Thr; replaces serine 587 with threonine.
Molecular consequence: missense variant.
Genome position (GRCh38, 1-based): chr10:27,048,855, C>G on the plus strand (G>C on the coding strand, the complement: ANKRD26 is on the minus strand). VCF-style: chr10-27048855-C-G. GRCh37 (hg19) VCF-style: chr10-27337784-C-G.
Other names: c.1760G>C, p.Ser587Thr (NM_001256053.2); short protein forms S587T.
Identifiers: ClinVar variation 2903037 (VCV002903037.4), dbSNP rs2054550958, ClinGen allele CA376353807.

ClinVar aggregate classification (germline): Uncertain significance. Review status: criteria provided, multiple submitters, no conflicts (2 of 4 stars). 2 submissions from 2 submitters: Uncertain significance (2). Last evaluated 2024-11-22.

Conditions:
Inborn genetic diseases. Identifiers: MedGen C0950123, MeSH D030342.

Allele frequency attached by ClinVar (database versions not stated): TOPMed below 0.00001; gnomAD exomes 0.00001.

Submissions (2):

Ambry Genetics
Classification: Uncertain significance for Inborn genetic diseases. Last evaluated: 2024-11-22. Review status: criteria provided, single submitter. Criteria: Ambry Variant Classification Scheme 2023. Collection method: clinical testing. Allele origin: germline.
Comment: The p.S587T variant (also known as c.1760G>C), located in coding exon 17 of the ANKRD26 gene, results from a G to C substitution at nucleotide position 1760. The serine at codon 587 is replaced by threonine, an amino acid with similar properties. This amino acid position is conserved. In addition, this alteration is predicted to be tolerated by in silico analysis. Based on the available evidence, the clinical significance of this variant remains unclear.

Labcorp Genetics (formerly Invitae), Labcorp
Classification: Uncertain significance. Last evaluated: 2024-01-16. Review status: criteria provided, single submitter. Criteria: Invitae Variant Classification Sherloc (09022015). Collection method: clinical testing. Allele origin: germline.
Comment: This sequence change replaces serine, which is neutral and polar, with threonine, which is neutral and polar, at codon 587 of the ANKRD26 protein (p.Ser587Thr). This variant is not present in population databases (gnomAD no frequency). This variant has not been reported in the literature in individuals affected with ANKRD26-related conditions. Algorithms developed to predict the effect of missense changes on protein structure and function output the following: SIFT: "Not Available"; PolyPhen-2: "Benign"; Align-GVGD: "Not Available". The threonine amino acid residue is found in multiple mammalian species, which suggests that this missense change does not adversely affect protein function. In summary, the available evidence is currently insufficient to determine the role of this variant in disease. Therefore, it has been classified as a Variant of Uncertain Significance.